The following is an entry in ClinVar:

ClinVar aggregate classification (germline): Likely benign. Review status: criteria provided, multiple submitters, no conflicts (2 of 4 stars). 2 submissions from 2 submitters: Likely benign (2). Last evaluated 2022-03-01.

Allele frequency attached by ClinVar (database versions not stated): gnomAD exomes below 0.00001 and 0.00001; TOPMed 0.00002.

Submissions (2):

CeGaT Center for Human Genetics Tuebingen
Classification: Likely benign. Last evaluated: 2022-03-01. Review status: criteria provided, single submitter. Criteria: CeGaT Center For Human Genetics Tuebingen Variant Classification Criteria Version 2. Collection method: clinical testing. Allele origin: germline. Affected: yes. Observed: 1 variant allele.
Comment: VARS2: BP4, BP7

GeneDx
Classification: Likely benign. Last evaluated: 2016-06-28. Review status: criteria provided, single submitter. Criteria: GeneDx Variant Classification (06012015). Collection method: clinical testing. Allele origin: germline. Affected: yes.
Comment: This variant is considered likely benign or benign based on one or more of the following criteria: it is a conservative change, it occurs at a poorly conserved position in the protein, it is predicted to be benign by multiple in silico algorithms, and/or has population frequency not consistent with disease.

NM_020442.6(VARS2):c.1131C>T (p.Ile377=)

Gene: VARS2 (valyl-tRNA synthetase 2, mitochondrial; plus strand). Cytogenetic location: 6p21.33.
Variant type: single nucleotide variant.
Coding change: c.1131C>T on transcript NM_020442.6 (MANE Select); coding-DNA position 1131, C replaced by T.
Protein change: p.Ile377=; no amino-acid change (isoleucine 377 retained).
Molecular consequence: synonymous variant.
Genome position (GRCh38, 1-based): chr6:30,919,814, C>T. VCF-style: chr6-30919814-C-T. GRCh37 (hg19) VCF-style: chr6-30887591-C-T.
Other names: c.711C>T, p.Ile237= (NM_001167733.3); c.1221C>T, p.Ile407= (NM_001167734.2).
Identifiers: ClinVar variation 386717 (VCV000386717.25), dbSNP rs1057522585, ClinGen allele CA16604927.